The following is an entry in ClinVar:

ClinVar aggregate classification (germline): Likely benign. Review status: criteria provided, multiple submitters, no conflicts (2 of 4 stars). 4 submissions from 4 submitters: Likely benign (3). 1 of the submissions does not count toward it. Last evaluated 2026-01-18.

Conditions:
PLK4-related disorder. Also called: PLK4-related condition.

Allele frequency attached by ClinVar (database versions not stated): 1000 Genomes Project 0.00060; 1000 Genomes Project 30x 0.00062; ExAC 0.00008; gnomAD exomes 0.00008; TOPMed 0.00038; gnomAD 0.00041 and 0.00043; ESP Exome Variant Server 0.00046.

Submissions (4):

Labcorp Genetics (formerly Invitae), Labcorp
Classification: Likely benign. Last evaluated: 2026-01-18. Review status: criteria provided, single submitter. Criteria: Invitae Variant Classification Sherloc (09022015). Collection method: clinical testing. Allele origin: germline.

CeGaT Center for Human Genetics Tuebingen
Classification: Likely benign. Last evaluated: 2025-12-01. Review status: criteria provided, single submitter. Criteria: CeGaT Center For Human Genetics Tuebingen Variant Classification Criteria Version 2. Collection method: clinical testing. Allele origin: germline. Affected: yes. Observed: 2 variant alleles.
Comment: PLK4: BP4, BP7

Blueprint Genetics
Classification: Likely benign. Last evaluated: 2024-11-14. Review status: criteria provided, single submitter. Criteria: ACMG Guidelines, 2015. Collection method: clinical testing. Allele origin: germline.

PreventionGenetics, part of Exact Sciences
Classification: Likely benign for PLK4-related condition. Last evaluated: 2019-03-08. Review status: no assertion criteria provided. Collection method: clinical testing. Allele origin: germline. Not counted in ClinVar's aggregate classification.
Comment: This variant is classified as likely benign based on ACMG/AMP sequence variant interpretation guidelines (Richards et al. 2015 PMID: 25741868, with internal and published modifications).

NM_014264.5(PLK4):c.9C>T (p.Thr3=)

Genes: PLK4 (polo like kinase 4; plus strand), LOC129993054 (ATAC-STARR-seq lymphoblastoid active region 21887; plus strand). Cytogenetic location: 4q28.1.
Variant type: single nucleotide variant.
Coding change: c.9C>T on transcript NM_014264.5 (MANE Select); coding-DNA position 9, C replaced by T.
Protein change: p.Thr3=; no amino-acid change (threonine 3 retained).
Molecular consequence: synonymous variant.
Genome position (GRCh38, 1-based): chr4:127,881,143, C>T. VCF-style: chr4-127881143-C-T. GRCh37 (hg19) VCF-style: chr4-128802298-C-T.
Other names: c.9C>T, p.Thr3= (NM_001190799.2).
Identifiers: ClinVar variation 759909 (VCV000759909.33), dbSNP rs149826509, ClinGen allele CA3076446.